The following is an entry in ClinVar:

ClinVar aggregate classification (germline): Pathogenic (1 of 4 stars; one submission).

Submission:

Labcorp Genetics (formerly Invitae), Labcorp
Classification: Pathogenic. Last evaluated: 2022-06-27. Review status: criteria provided, single submitter. Criteria: Invitae Variant Classification Sherloc (09022015). Collection method: clinical testing. Allele origin: germline.
Comment: This sequence change creates a premature translational stop signal (p.Ser30Phefs*10) in the DUOX2 gene. It is expected to result in an absent or disrupted protein product. Loss-of-function variants in DUOX2 are known to be pathogenic (PMID: 12110737, 18765513, 21565790, 24423310, 24735383). For these reasons, this variant has been classified as Pathogenic. This variant has not been reported in the literature in individuals affected with DUOX2-related conditions. This variant is not present in population databases (gnomAD no frequency).

Literature cited by the submitters: PubMed 12110737; PubMed 18765513; PubMed 21565790; PubMed 24423310; PubMed 24735383.

NM_001363711.2(DUOX2):c.88dup (p.Ser30fs)

Gene: DUOX2 (dual oxidase 2; minus strand). Cytogenetic location: 15q21.1.
Variant type: Duplication.
Coding change: c.88dup on transcript NM_001363711.2 (MANE Select); coding-DNA position 88, one base duplicated (T; older notation c.88dupT).
Protein change: p.Ser30fs; shifts the reading frame from serine 30.
Molecular consequence: frameshift variant.
Genome position (GRCh38, 1-based): chr15:45,113,059, A duplicated on the plus strand (T on the coding strand, the reverse complement: DUOX2 is on the minus strand). VCF-style (leftmost placement, unchanged base first): chr15-45113058-G-GA. GRCh37 (hg19) VCF-style: chr15-45405256-G-GA.
Other names: c.88dup, p.Ser30fs (NM_014080.5); short protein forms S30fs.
Identifiers: ClinVar variation 2000977 (VCV002000977.4), dbSNP rs2504791090, ClinGen allele CA2580089490.
Genomic context (GRCh38, chr15:45,113,058, plus strand): 5'-CGCTCGTGGTGCCTCAGGTTGTTAAACCAGCCGTCATAGCGCTGCACTTCCCAGGGCAGT[G>GA]AGAGTGCGTCCTGACTGCCTGTGGGCACAGAGAAGGGCCTCCTCAGCACTACGCTCCCAG-3'